The following is an entry in ClinVar:

ClinVar aggregate classification (germline): Uncertain significance (1 of 4 stars; one submission).

Conditions:
Methylmalonic aciduria, cblB type (MACB). Also called: Methylmalonic acidemia cblB type; Vitamin B12-responsive methylmalonic acidemia type cblB; METHYLMALONIC ACIDURIA, VITAMIN B12-RESPONSIVE, DUE TO DEFECT IN SYNTHESIS OF ADENOSYLCOBALAMIN, cblB TYPE. Identifiers: Orphanet 28, Orphanet 79311, MedGen C1855102, MONDO:0009614, OMIM 251110.

Allele frequency attached by ClinVar (database versions not stated): gnomAD exomes below 0.00001; TOPMed below 0.00001; gnomAD 0.00001.
gnomAD v4.1: 3 of 1,613,652 alleles (0.00019%); highest among the groups gnomAD compares: Non-Finnish European, 0.00025%; no homozygotes.

Submission:

Labcorp Genetics (formerly Invitae), Labcorp
Classification: Uncertain significance for Methylmalonic aciduria, cblB type. Last evaluated: 2024-02-24. Review status: criteria provided, single submitter. Criteria: Invitae Variant Classification Sherloc (09022015). Collection method: clinical testing. Allele origin: germline.
Comment: This sequence change replaces tyrosine, which is neutral and polar, with histidine, which is basic and polar, at codon 226 of the MMAB protein (p.Tyr226His). This variant is not present in population databases (gnomAD no frequency). This variant has not been reported in the literature in individuals affected with MMAB-related conditions. ClinVar contains an entry for this variant (Variation ID: 2420897). Advanced modeling of protein sequence and biophysical properties (such as structural, functional, and spatial information, amino acid conservation, physicochemical variation, residue mobility, and thermodynamic stability) performed at Invitae indicates that this missense variant is not expected to disrupt MMAB protein function with a negative predictive value of 80%. In summary, the available evidence is currently insufficient to determine the role of this variant in disease. Therefore, it has been classified as a Variant of Uncertain Significance.

NM_052845.4(MMAB):c.676T>C (p.Tyr226His)

Gene: MMAB (metabolism of cobalamin associated B; minus strand). Cytogenetic location: 12q24.11.
Variant type: single nucleotide variant.
Coding change: c.676T>C on transcript NM_052845.4 (MANE Select); coding-DNA position 676, T replaced by C.
Protein change: p.Tyr226His; replaces tyrosine 226 with histidine.
Molecular consequence: missense variant. On other transcripts: non-coding transcript variant (1).
Genome position (GRCh38, 1-based): chr12:109,557,105, A>G on the plus strand (T>C on the coding strand, the complement: MMAB is on the minus strand). VCF-style: chr12-109557105-A-G. GRCh37 (hg19) VCF-style: chr12-109994910-A-G.
Other names: short protein forms Y226H.
Identifiers: ClinVar variation 2420897 (VCV002420897.5), dbSNP rs1447749873, ClinGen allele CA386635671.